The following is an entry in ClinVar:

NM_000238.4(KCNH2):c.3090G>A (p.Pro1030=)

Gene: KCNH2 (potassium voltage-gated channel subfamily H member 2; minus strand). Cytogenetic location: 7q36.1.
Variant type: single nucleotide variant.
Coding change: c.3090G>A on transcript NM_000238.4 (MANE Select); coding-DNA position 3090, G replaced by A.
Protein change: p.Pro1030=; no amino-acid change (proline 1030 retained).
Molecular consequence: synonymous variant.
Genome position (GRCh38, 1-based): chr7:150,947,390, C>T on the plus strand (G>A on the coding strand, the complement: KCNH2 is on the minus strand). VCF-style: chr7-150947390-C-T. GRCh37 (hg19) VCF-style: chr7-150644478-C-T.
Other names: c.2070G>A, p.Pro690= (NM_172057.3).
Identifiers: ClinVar variation 517047 (VCV000517047.20), dbSNP rs778604642, ClinGen allele CA458644856.

ClinVar aggregate classification (germline): Conflicting classifications of pathogenicity. Review status: criteria provided, conflicting classifications (1 of 4 stars). 5 submissions from 5 submitters: Uncertain significance (2); Likely benign (3). Last evaluated 2025-10-17.

Conditions:
Cardiovascular phenotype. Identifiers: MedGen CN230736.
Cardiac arrhythmia. Also called: Cardiac rhythm disease; Arrhythmia. Identifiers: MedGen C0003811, MONDO:0007263, HP:0011675.
Long QT syndrome (LQTS). Identifiers: MedGen C0023976, MeSH D008133, MONDO:0002442. Disease mechanism: loss of function. Inheritance: Various modes of inheritance.

Allele frequency attached by ClinVar (database versions not stated): TOPMed 0.00003; gnomAD 0.00006.
gnomAD v4.1: 11 of 1,521,730 alleles (0.00072%); highest among the groups gnomAD compares: African/African-American, 0.0042%; no homozygotes.

Submissions (5):

Labcorp Genetics (formerly Invitae), Labcorp
Classification: Likely benign for Long QT syndrome. Last evaluated: 2025-10-17. Review status: criteria provided, single submitter. Criteria: Invitae Variant Classification Sherloc (09022015). Collection method: clinical testing. Allele origin: germline.

Color Diagnostics, LLC DBA Color Health
Classification: Likely benign for Cardiac arrhythmia. Last evaluated: 2023-12-05. Review status: criteria provided, single submitter. Criteria: ACMG Guidelines, 2015. Collection method: clinical testing. Allele origin: germline.

All of Us Research Program, National Institutes of Health
Classification: Uncertain significance for Long QT syndrome. Last evaluated: 2023-10-06. Review status: criteria provided, single submitter. Criteria: ACMG Guidelines, 2015. Collection method: clinical testing. Allele origin: germline. Inheritance: Autosomal dominant inheritance. Observed: 3 variant alleles, 3 heterozygotes.
Comment: This synonymous variant does not change the amino acid sequence of the KCNH2 protein. However, computational splicing tools suggest that this variant may impact RNA splicing by creating a new splice site. To our knowledge, RNA assays have not been performed to confirm this prediction. This variant has not been reported in individuals affected with cardiovascular disorders in the literature. This variant has been identified in 4/178658 chromosomes in the general population by the Genome Aggregation Database (gnomAD). Available evidence is insufficient to determine the role of this variant in disease conclusively. Therefore, this variant is classified as a Variant of Uncertain Significance.

This study involves interpretation of variants in research participants for the purpose of population health screening. Participant phenotype was not available at the time of variant classification. Additional details can be found in publication PMID: 35346344, PMCID: PMC8962531

Ambry Genetics
Classification: Uncertain significance for Cardiovascular phenotype. Last evaluated: 2021-08-03. Review status: criteria provided, single submitter. Criteria: Ambry Variant Classification Scheme 2023. Collection method: clinical testing. Allele origin: germline.
Comment: The c.3090G>A (p.P1030P) alteration is located in exon 13 (coding exon 13) of the KCNH2 gene. This alteration consists of a G to A substitution at nucleotide position 3090. This nucleotide substitution does not change the amino acid at codon 1030. However, this change occurs in the last nucleotide of Exon 13 (c.2966_3152) which makes it likely to have some effect on normal mRNA splicing. Based on insufficient or conflicting evidence, the clinical significance of this alteration remains unclear.

GeneDx
Classification: Likely benign. Last evaluated: 2017-08-16. Review status: criteria provided, single submitter. Criteria: GeneDx Variant Classification (06012015). Collection method: clinical testing. Allele origin: germline. Affected: yes.
Comment: This variant is considered likely benign or benign based on one or more of the following criteria: it is a conservative change, it occurs at a poorly conserved position in the protein, it is predicted to be benign by multiple in silico algorithms, and/or has population frequency not consistent with disease.